The following is an entry in ClinVar:

ClinVar aggregate classification (germline): Uncertain significance (1 of 4 stars; one submission).

Conditions:
ABCG8-related disorder. Also called: ABCG8-related condition.

gnomAD v4.1: 3 of 1,614,072 alleles (0.00019%); highest among the groups gnomAD compares: Admixed American, 0.0033%; no homozygotes.

Submission:

PreventionGenetics, part of Exact Sciences
Classification: Uncertain significance for ABCG8-related condition. Last evaluated: 2025-12-30. Review status: criteria provided, single submitter. Criteria: ACMG Guidelines, 2015. Collection method: clinical testing. Allele origin: germline.
Comment: The ABCG8 c.984C>G variant is predicted to result in the amino acid substitution p.Asp328Glu. To our knowledge, this variant has not been reported in the literature or in a large population database (gnomAD), indicating this variant is rare. At this time, the clinical significance of this variant is uncertain due to the absence of conclusive functional and genetic evidence.

NM_022437.3(ABCG8):c.984C>G (p.Asp328Glu)

Gene: ABCG8 (ATP binding cassette subfamily G member 8; plus strand). Cytogenetic location: 2p21.
Variant type: single nucleotide variant.
Coding change: c.984C>G on transcript NM_022437.3 (MANE Select); coding-DNA position 984, C replaced by G.
Protein change: p.Asp328Glu; replaces aspartic acid 328 with glutamic acid.
Molecular consequence: missense variant.
Genome position (GRCh38, 1-based): chr2:43,871,995, C>G. VCF-style: chr2-43871995-C-G. GRCh37 (hg19) VCF-style: chr2-44099134-C-G.
Other names: c.984C>G, p.Asp328Glu (NM_001357321.2); short protein forms D328E.
Identifiers: ClinVar variation 4998404 (VCV004998404.1).